The following is an entry in ClinVar:

NM_004629.2(FANCG):c.572T>G (p.Leu191Ter)

Gene: FANCG (FA complementation group G; minus strand). Cytogenetic location: 9p13.3.
Variant type: single nucleotide variant.
Coding change: c.572T>G on transcript NM_004629.2 (MANE Select); coding-DNA position 572, T replaced by G.
Protein change: p.Leu191Ter; replaces leucine 191 with a stop codon.
Molecular consequence: nonsense.
Genome position (GRCh38, 1-based): chr9:35,077,338, A>C on the plus strand (T>G on the coding strand, the complement: FANCG is on the minus strand). VCF-style: chr9-35077338-A-C. GRCh37 (hg19) VCF-style: chr9-35077335-A-C.
Other names: short protein forms L191*.
Identifiers: ClinVar variation 929684 (VCV000929684.12), dbSNP rs755361015, ClinGen allele CA373314114.

ClinVar aggregate classification (germline): Pathogenic/Likely pathogenic. Review status: criteria provided, multiple submitters, no conflicts (2 of 4 stars). 4 submissions from 4 submitters: Pathogenic (2); Likely pathogenic (1). 1 of the submissions does not count toward it. Last evaluated 2026-01-22.

Conditions:
Fanconi anemia (FA). Also called: Fanconi's anemia. Identifiers: Orphanet 84, MedGen C0015625, MeSH D005199, MONDO:0019391.
Fanconi anemia complementation group G. Also called: FANCG-Related Fanconi Anemia; Fanconi anemia group G. Identifiers: Orphanet 84, MedGen C3469527, MONDO:0013565, OMIM 614082.

Allele frequency attached by ClinVar (database versions not stated): TOPMed 0.00002.
gnomAD v4.1: 3 of 1,614,174 alleles (0.00019%); highest among the groups gnomAD compares: Non-Finnish European, 0.00017%; no homozygotes.

Submissions (4):

Labcorp Genetics (formerly Invitae), Labcorp
Classification: Pathogenic for Fanconi anemia. Last evaluated: 2026-01-22. Review status: criteria provided, single submitter. Criteria: Invitae Variant Classification Sherloc (09022015). Collection method: clinical testing. Allele origin: germline.
Comment: This sequence change creates a premature translational stop signal (p.Leu191*) in the FANCG gene. It is expected to result in an absent or disrupted protein product. Loss-of-function variants in FANCG are known to be pathogenic (PMID: 12552564). This variant is not present in population databases (gnomAD no frequency). This premature translational stop signal has been observed in individual(s) with FANCG-related conditions (PMID: 12552564). ClinVar contains an entry for this variant (Variation ID: 929684). Algorithms developed to predict the effect of sequence changes on RNA splicing suggest that this variant may disrupt the consensus splice site. For these reasons, this variant has been classified as Pathogenic.

Natera, Inc.
Classification: Likely pathogenic for Fanconi anemia group G. Last evaluated: 2025-09-04. Review status: criteria provided, single submitter. Criteria: Natera Variant Classification Schema (03/2026). Collection method: clinical testing. Allele origin: germline.
Comment: The c.572T>G variant in FANCG is a nonsense variant predicted to introduce a stop codon at amino acid 191. This variant is expected to result in nonsense mediated decay, truncation, or a dysfunctional protein product. This variant is rare in the general population with a frequency below the threshold expected for the associated phenotype(s). Given the available evidence, this variant is classified as Likely Pathogenic.

Baylor Genetics
Classification: Pathogenic for Fanconi anemia complementation group G. Last evaluated: 2023-01-19. Review status: criteria provided, single submitter. Criteria: ACMG Guidelines, 2015. Collection method: clinical testing. Allele origin: unknown.

Leiden Open Variation Database
Classification: Pathogenic for Fanconi anemia complementation group G. Last evaluated: 2011-02-07. Review status: no assertion criteria provided. Collection method: curation. Allele origin: germline. Affected: yes. Not counted in ClinVar's aggregate classification.
Comment: Curator: Arleen D. Auerbach. Submitter to LOVD: Arleen D. Auerbach.

Literature cited by the submitters: PubMed 12552564 (cited by Labcorp Genetics (formerly Invitae), Labcorp and Leiden Open Variation Database).